The following is an entry in ClinVar:

ClinVar aggregate classification (germline): Uncertain significance (0 of 4 stars; one submission).

Conditions:
LYST-related disorder. Also called: LYST-related condition.

gnomAD v4.1: 7 of 1,613,800 alleles (0.00043%); highest among the groups gnomAD compares: South Asian, 0.0077%; no homozygotes.

Submission:

PreventionGenetics, part of Exact Sciences
Classification: Uncertain significance for LYST-related condition. Last evaluated: 2024-05-29. Review status: no assertion criteria provided. Collection method: clinical testing. Allele origin: germline.
Comment: The LYST c.2993T>C variant is predicted to result in the amino acid substitution p.Ile998Thr. To our knowledge, this variant has not been reported in the literature. This variant is reported in 0.0065% of alleles in individuals of South Asian descent in gnomAD. At this time, the clinical significance of this variant is uncertain due to the absence of conclusive functional and genetic evidence.

NM_000081.4(LYST):c.2993T>C (p.Ile998Thr)

Gene: LYST (lysosomal trafficking regulator; minus strand). Cytogenetic location: 1q42.3.
Variant type: single nucleotide variant.
Coding change: c.2993T>C on transcript NM_000081.4 (MANE Select); coding-DNA position 2993, T replaced by C.
Protein change: p.Ile998Thr; replaces isoleucine 998 with threonine.
Molecular consequence: missense variant.
Genome position (GRCh38, 1-based): chr1:235,806,143, A>G on the plus strand (T>C on the coding strand, the complement: LYST is on the minus strand). VCF-style: chr1-235806143-A-G. GRCh37 (hg19) VCF-style: chr1-235969443-A-G.
Other names: c.2993T>C, p.Ile998Thr (NM_001301365.1); short protein forms I998T.
Identifiers: ClinVar variation 3345999 (VCV003345999.1).